The following is an entry in ClinVar:

NM_001159699.2(FHL1):c.40G>T (p.Val14Leu)

Gene: FHL1 (four and a half LIM domains 1; plus strand). Cytogenetic location: Xq26.3.
Variant type: single nucleotide variant.
Coding change: c.40G>T on transcript NM_001159699.2 (MANE Select); coding-DNA position 40, G replaced by T.
Protein change: p.Val14Leu; replaces valine 14 with leucine.
Molecular consequence: missense variant. On other transcripts: 5 prime UTR variant (12), non-coding transcript variant (1).
Genome position (GRCh38, 1-based): chrX:136,206,424, G>T. VCF-style: chrX-136206424-G-T. GRCh37 (hg19) VCF-style: chrX-135288583-G-T.
Other names: c.-9G>T (NM_001159700.2, NM_001159702.3, NM_001159703.2 and 9 more transcripts); c.79G>T, p.Val27Leu (NM_001159701.2); c.40G>T, p.Val14Leu (NM_001330659.2, NM_001440769.1); short protein forms V14L, V27L.
Identifiers: ClinVar variation 4681068 (VCV004681068.1).

ClinVar aggregate classification (germline): Uncertain significance (1 of 4 stars; one submission).

gnomAD v4.1: 3 of 1,212,179 alleles (0.00025%); highest among the groups gnomAD compares: Non-Finnish European, 0.00033%; no homozygotes.

Submission:

GeneDx
Classification: Uncertain significance. Last evaluated: 2025-07-02. Review status: criteria provided, single submitter. Criteria: GeneDx Variant Classification Process June 2021. Collection method: clinical testing. Allele origin: germline. Affected: yes.
Comment: Not observed at significant frequency in large population cohorts (gnomAD); In silico analysis suggests that this missense variant does not alter protein structure/function; Has not been previously published as pathogenic or benign to our knowledge; Reported using an alternate transcript of the gene